The following is an entry in ClinVar:

NM_005751.5(AKAP9):c.7090G>A (p.Ala2364Thr)

Gene: AKAP9 (A-kinase anchoring protein 9; plus strand). Cytogenetic location: 7q21.2.
Variant type: single nucleotide variant.
Coding change: c.7090G>A on transcript NM_005751.5 (MANE Select); coding-DNA position 7090, G replaced by A.
Protein change: p.Ala2364Thr; replaces alanine 2364 with threonine.
Molecular consequence: missense variant.
Genome position (GRCh38, 1-based): chr7:92,079,223, G>A. VCF-style: chr7-92079223-G-A. GRCh37 (hg19) VCF-style: chr7-91708537-G-A.
Other names: c.7090G>A (NM_005751.4); c.1735G>A, p.Ala579Thr (NM_001379277.1); c.7066G>A, p.Ala2356Thr (NM_147185.3); short protein forms A2356T, A2364T, A579T.
Identifiers: ClinVar variation 1503310 (VCV001503310.10), dbSNP rs1408184706, ClinGen allele CA368134948.

ClinVar aggregate classification (germline): Uncertain significance. Review status: criteria provided, multiple submitters, no conflicts (2 of 4 stars). 2 submissions from 2 submitters: Uncertain significance (2). Last evaluated 2023-11-27.

Conditions:
Cardiovascular phenotype. Identifiers: MedGen CN230736.
Long QT syndrome (LQTS). Identifiers: MedGen C0023976, MeSH D008133, MONDO:0002442. Disease mechanism: loss of function. Inheritance: Various modes of inheritance.

Allele frequency attached by ClinVar (database versions not stated): gnomAD exomes below 0.00001; TOPMed 0.00001.
gnomAD v4.1: 1 of 1,614,018 alleles (0.000062%); highest among the groups gnomAD compares: Admixed American, 0.0017%; no homozygotes.

Submissions (2):

Labcorp Genetics (formerly Invitae), Labcorp
Classification: Uncertain significance for Long QT syndrome. Last evaluated: 2023-11-27. Review status: criteria provided, single submitter. Criteria: Invitae Variant Classification Sherloc (09022015). Collection method: clinical testing. Allele origin: germline.
Comment: This sequence change replaces alanine, which is neutral and non-polar, with threonine, which is neutral and polar, at codon 2364 of the AKAP9 protein (p.Ala2364Thr). This variant is present in population databases (no rsID available, gnomAD 0.003%). This variant has not been reported in the literature in individuals affected with AKAP9-related conditions. ClinVar contains an entry for this variant (Variation ID: 1503310). An algorithm developed to predict the effect of missense changes on protein structure and function (PolyPhen-2) suggests that this variant is likely to be disruptive. In summary, the available evidence is currently insufficient to determine the role of this variant in disease. Therefore, it has been classified as a Variant of Uncertain Significance.

Ambry Genetics
Classification: Uncertain significance for Cardiovascular phenotype. Last evaluated: 2023-07-16. Review status: criteria provided, single submitter. Criteria: Ambry Variant Classification Scheme 2023. Collection method: clinical testing. Allele origin: germline.
Comment: The p.A2364T variant (also known as c.7090G>A), located in coding exon 31 of the AKAP9 gene, results from a G to A substitution at nucleotide position 7090. The alanine at codon 2364 is replaced by threonine, an amino acid with similar properties. This amino acid position is conserved. In addition, this alteration is predicted to be tolerated by in silico analysis. Since supporting evidence is limited at this time, the clinical significance of this alteration remains unclear.